The following is an entry in ClinVar:

NM_001384910.1(GUCA1A):c.428T>C (p.Ile143Thr)

Genes: GUCA1A (guanylate cyclase activator 1A; plus strand), GUCA1ANB-GUCA1A (GUCA1ANB-GUCA1A readthrough; plus strand). Cytogenetic location: 6p21.1.
Variant type: single nucleotide variant.
Coding change: c.428T>C on transcript NM_001384910.1 (MANE Select); coding-DNA position 428, T replaced by C.
Protein change: p.Ile143Thr; replaces isoleucine 143 with threonine.
Molecular consequence: missense variant.
Genome position (GRCh38, 1-based): chr6:42,178,878, T>C. VCF-style: chr6-42178878-T-C. GRCh37 (hg19) VCF-style: chr6-42146616-T-C.
Other names: c.428T>C, p.Ile143Thr (NM_000409.5, NM_001319061.2, NM_001319062.2); short protein forms I143T.
Identifiers: ClinVar variation 958203 (VCV000958203.9), dbSNP rs1320962652, ClinGen allele CA364109985.

ClinVar aggregate classification (germline): Uncertain significance. Review status: criteria provided, multiple submitters, no conflicts (2 of 4 stars). 2 submissions from 2 submitters: Uncertain significance (2). Last evaluated 2026-01-19.

Allele frequency attached by ClinVar (database versions not stated): gnomAD exomes below 0.00001 and 0.00001; gnomAD 0.00002; TOPMed 0.00003.
gnomAD v4.1: 10 of 1,613,056 alleles (0.00062%); highest among the groups gnomAD compares: African/African-American, 0.004%; no homozygotes.

Submissions (2):

Labcorp Genetics (formerly Invitae), Labcorp
Classification: Uncertain significance. Last evaluated: 2026-01-19. Review status: criteria provided, single submitter. Criteria: Invitae Variant Classification Sherloc (09022015). Collection method: clinical testing. Allele origin: germline.
Comment: This sequence change replaces isoleucine, which is neutral and non-polar, with threonine, which is neutral and polar, at codon 143 of the GUCA1A protein (p.Ile143Thr). This variant is present in population databases (no rsID available, gnomAD 0.0009%). This variant has not been reported in the literature in individuals affected with GUCA1A-related conditions. ClinVar contains an entry for this variant (Variation ID: 958203). An algorithm developed to predict the effect of missense changes on protein structure and function (PolyPhen-2) suggests that this variant is likely to be disruptive. In summary, the available evidence is currently insufficient to determine the role of this variant in disease. Therefore, it has been classified as a Variant of Uncertain Significance.

Blueprint Genetics
Classification: Uncertain significance. Last evaluated: 2022-03-23. Review status: criteria provided, single submitter. Criteria: ACMG Guidelines, 2015. Collection method: clinical testing. Allele origin: germline.